The following is an entry in ClinVar:

ClinVar aggregate classification (germline): Uncertain significance (1 of 4 stars; one submission).

Submission:

Ambry Genetics
Classification: Uncertain significance. Last evaluated: 2024-09-01. Review status: criteria provided, single submitter. Criteria: Ambry Variant Classification Scheme 2023. Collection method: clinical testing. Allele origin: germline.
Comment: The p.M723T variant (also known as c.2168T>C), located in coding exon 18 of the BUB1 gene, results from a T to C substitution at nucleotide position 2168. The methionine at codon 723 is replaced by threonine, an amino acid with similar properties. This amino acid position is conserved. In addition, this alteration is predicted to be tolerated by in silico analysis. Based on the available evidence, the clinical significance of this variant remains unclear.

NM_004336.5(BUB1):c.2168T>C (p.Met723Thr)

Gene: BUB1 (BUB1 mitotic checkpoint serine/threonine kinase; minus strand). Cytogenetic location: 2q13.
Variant type: single nucleotide variant.
Coding change: c.2168T>C on transcript NM_004336.5 (MANE Select); coding-DNA position 2168, T replaced by C.
Protein change: p.Met723Thr; replaces methionine 723 with threonine.
Molecular consequence: missense variant.
Genome position (GRCh38, 1-based): chr2:110,650,581, A>G on the plus strand (T>C on the coding strand, the complement: BUB1 is on the minus strand). VCF-style: chr2-110650581-A-G. GRCh37 (hg19) VCF-style: chr2-111408158-A-G.
Other names: c.2108T>C, p.Met703Thr (NM_001278616.2); c.2168T>C, p.Met723Thr (NM_001278617.2); short protein forms M703T, M723T.
Identifiers: ClinVar variation 3483053 (VCV003483053.1).